The following is an entry in ClinVar:

NM_003632.3(CNTNAP1):c.2445C>G (p.Thr815=)

Gene: CNTNAP1 (contactin associated protein 1; plus strand). Cytogenetic location: 17q21.2.
Variant type: single nucleotide variant.
Coding change: c.2445C>G on transcript NM_003632.3 (MANE Select); coding-DNA position 2445, C replaced by G.
Protein change: p.Thr815=; no amino-acid change (threonine 815 retained).
Molecular consequence: synonymous variant.
Genome position (GRCh38, 1-based): chr17:42,691,906, C>G. VCF-style: chr17-42691906-C-G. GRCh37 (hg19) VCF-style: chr17-40843924-C-G.
Identifiers: ClinVar variation 2918521 (VCV002918521.25), dbSNP rs149019295, ClinGen allele CA8582054.
Genomic context (GRCh38, chr17:42,691,906, plus strand): 5'-ACTACGCTTCCCCCCAATCCGTGCCAACCACAGCCTGGATGTCTCCTTCTACTTCAGGAC[C>G]TCTGCTCCCTCGGGGGTCTTCCTAGAGAATATGGGGGGCCCTTACTGCCAGTGGCGCCGA-3'
Protein context (NP_003623.1, residues 805-825): HSLDVSFYFR[Thr815=]SAPSGVFLEN

ClinVar aggregate classification (germline): Likely benign. Review status: criteria provided, multiple submitters, no conflicts (2 of 4 stars). 2 submissions from 2 submitters: Likely benign (2). Last evaluated 2024-05-01.

Allele frequency attached by ClinVar (database versions not stated): ExAC 0.00005; gnomAD 0.00008; TOPMed 0.00010; ESP Exome Variant Server 0.00015.
gnomAD v4.1: 260 of 1,614,066 alleles (0.016%); highest among the groups gnomAD compares: Non-Finnish European, 0.02%; no homozygotes.

Submissions (2):

CeGaT Center for Human Genetics Tuebingen
Classification: Likely benign. Last evaluated: 2024-05-01. Review status: criteria provided, single submitter. Criteria: CeGaT Center For Human Genetics Tuebingen Variant Classification Criteria Version 2. Collection method: clinical testing. Allele origin: germline. Affected: yes. Observed: 2 variant alleles.
Comment: CNTNAP1: BP4, BP7

Labcorp Genetics (formerly Invitae), Labcorp
Classification: Likely benign. Last evaluated: 2024-01-18. Review status: criteria provided, single submitter. Criteria: Invitae Variant Classification Sherloc (09022015). Collection method: clinical testing. Allele origin: germline.